The following is an entry in ClinVar:

NM_006393.3(NEBL):c.625G>T (p.Ala209Ser)

Gene: NEBL (nebulette; minus strand). Cytogenetic location: 10p12.31.
Variant type: single nucleotide variant.
Coding change: c.625G>T on transcript NM_006393.3 (MANE Select); coding-DNA position 625, G replaced by T.
Protein change: p.Ala209Ser; replaces alanine 209 with serine.
Molecular consequence: missense variant. On other transcripts: intron variant (9).
Genome position (GRCh38, 1-based): chr10:20,868,723, C>A on the plus strand (G>T on the coding strand, the complement: NEBL is on the minus strand). VCF-style: chr10-20868723-C-A. GRCh37 (hg19) VCF-style: chr10-21157652-C-A.
Other names: c.250-55783G>T (NM_001377326.1, NM_001377327.1, NM_001377328.1); c.358-55783G>T (NM_213569.2, NM_001173484.2, NM_001377322.1); c.301-55783G>T (NM_001377324.1); c.292-55783G>T (NM_001377325.1); c.310-55783G>T (NM_001377323.1); short protein forms A209S.
Identifiers: ClinVar variation 179846 (VCV000179846.6), dbSNP rs142138590, ClinGen allele CA185255.

ClinVar aggregate classification (germline): Uncertain significance. Review status: criteria provided, multiple submitters, no conflicts (2 of 4 stars). 2 submissions from 2 submitters: Uncertain significance (2). Last evaluated 2025-01-09.

gnomAD v4.1: 3 of 1,612,616 alleles (0.00019%); highest among the groups gnomAD compares: South Asian, 0.0022%; no homozygotes.

Submissions (2):

Ambry Genetics
Classification: Uncertain significance. Last evaluated: 2025-01-09. Review status: criteria provided, single submitter. Criteria: Ambry Variant Classification Scheme 2023. Collection method: clinical testing. Allele origin: germline.

Laboratory for Molecular Medicine, Mass General Brigham Personalized Medicine
Classification: Uncertain significance. Last evaluated: 2014-06-24. Review status: criteria provided, single submitter. Criteria: LMM Criteria. Collection method: clinical testing. Allele origin: germline. Observed: 1 variant allele.
Comment: Variant classified as Uncertain Significance - Favor Benign. The Ala209Ser varia nt in NEBL has not been previously reported in individuals with cardiomyopathy o r in large population studies. Computational prediction tools and conservation analysis suggest that the Ala209Ser variant may not impact the protein, though this information is not predictive enough to rule out pathogenicity. Alanine (A la) at position 209 is not conserved in mammals or evolutionarily distant specie s and 5 mammals (Prairie vole, Chinese hamster, Golden hamster, Mouse, and Rat) carry a Serine (Ser) at this position, supporting that this change may be tolera ted. In summary, while the clinical significance of the Ala209Ser variant is u ncertain, these data suggest that it is more likely to be benign.